The following is an entry in ClinVar:

ClinVar aggregate classification (germline): Uncertain significance. Review status: criteria provided, multiple submitters, no conflicts (2 of 4 stars). 2 submissions from 2 submitters: Uncertain significance (2). Last evaluated 2026-06-27.

Conditions:
Brugada syndrome. Also called: Sudden unexpected nocturnal death syndrome; Sudden unexplained nocturnal death syndrome; Sudden Unexplained Death Syndrome; Sudden Unexplained Nocturnal Death Syndrome (SUNDS). Identifiers: Orphanet 130, MedGen C1142166, MONDO:0015263.
Cardiovascular phenotype. Identifiers: MedGen CN230736.

gnomAD v4.1: 3 of 1,613,854 alleles (0.00019%); highest among the groups gnomAD compares: Non-Finnish European, 0.00025%; no homozygotes.

Submissions (2):

Ambry Genetics
Classification: Uncertain significance for Cardiovascular phenotype. Last evaluated: 2026-06-27. Review status: criteria provided, single submitter. Criteria: Ambry Variant Classification Scheme 2023. Collection method: clinical testing. Allele origin: germline.
Comment: The p.L118M variant (also known as c.352C>A), located in coding exon 2 of the SCN10A gene, results from a C to A substitution at nucleotide position 352. The leucine at codon 118 is replaced by methionine, an amino acid with highly similar properties. This amino acid position is conserved. In addition, the in silico prediction for this alteration is inconclusive. Based on the available evidence, the clinical significance of this variant remains unclear.

Labcorp Genetics (formerly Invitae), Labcorp
Classification: Uncertain significance for Brugada syndrome. Last evaluated: 2022-02-09. Review status: criteria provided, single submitter. Criteria: Invitae Variant Classification Sherloc (09022015). Collection method: clinical testing. Allele origin: germline.
Comment: In summary, the available evidence is currently insufficient to determine the role of this variant in disease. Therefore, it has been classified as a Variant of Uncertain Significance. Algorithms developed to predict the effect of missense changes on protein structure and function are either unavailable or do not agree on the potential impact of this missense change (SIFT: "Tolerated"; PolyPhen-2: "Possibly Damaging"; Align-GVGD: "Class C0"). This variant has not been reported in the literature in individuals affected with SCN10A-related conditions. This variant is present in population databases (no rsID available, gnomAD 0.0009%). This sequence change replaces leucine, which is neutral and non-polar, with methionine, which is neutral and non-polar, at codon 118 of the SCN10A protein (p.Leu118Met).

NM_006514.4(SCN10A):c.352C>A (p.Leu118Met)

Gene: SCN10A (sodium voltage-gated channel alpha subunit 10; minus strand). Cytogenetic location: 3p22.2.
Variant type: single nucleotide variant.
Coding change: c.352C>A on transcript NM_006514.4 (MANE Select); coding-DNA position 352, C replaced by A.
Protein change: p.Leu118Met; replaces leucine 118 with methionine.
Molecular consequence: missense variant.
Genome position (GRCh38, 1-based): chr3:38,792,087, G>T on the plus strand (C>A on the coding strand, the complement: SCN10A is on the minus strand). VCF-style: chr3-38792087-G-T. GRCh37 (hg19) VCF-style: chr3-38833578-G-T.
Other names: c.352C>A (NM_006514.2); c.352C>A, p.Leu118Met (NM_001293306.2, NM_001293307.2); short protein forms L118M.
Identifiers: ClinVar variation 2147558 (VCV002147558.5), dbSNP rs989355332, ClinGen allele CA352160855.